The following is an entry in ClinVar:

NM_001164508.2(NEB):c.3759G>A (p.Thr1253=)

Gene: NEB (nebulin; minus strand). Cytogenetic location: 2q23.3.
Variant type: single nucleotide variant.
Coding change: c.3759G>A on transcript NM_001164508.2 (MANE Select); coding-DNA position 3759, G replaced by A.
Protein change: p.Thr1253=; no amino-acid change (threonine 1253 retained).
Molecular consequence: synonymous variant.
Genome position (GRCh38, 1-based): chr2:151,677,580, C>T on the plus strand (G>A on the coding strand, the complement: NEB is on the minus strand). VCF-style: chr2-151677580-C-T. GRCh37 (hg19) VCF-style: chr2-152534094-C-T.
Other names: c.3759G>A, p.Thr1253= (NM_001164507.2, NM_001271208.2, NM_004543.5).
Identifiers: ClinVar variation 748678 (VCV000748678.36), dbSNP rs763075598, ClinGen allele CA1910837.

ClinVar aggregate classification (germline): Likely benign. Review status: criteria provided, multiple submitters, no conflicts (2 of 4 stars). 3 submissions from 3 submitters: Likely benign (2). 1 of the submissions does not count toward it. Last evaluated 2025-11-20.

Conditions:
Nemaline myopathy 2 (NEM2). Also called: Nemaline myopathy 2, autosomal recessive. Identifiers: MedGen C1850569, MONDO:0009725, OMIM 256030.

Allele frequency attached by ClinVar (database versions not stated): gnomAD exomes 0.00001 and 0.00002; ExAC 0.00002; gnomAD 0.00002 and 0.00003; TOPMed 0.00002.
gnomAD v4.1: 37 of 1,613,338 alleles (0.0023%); highest among the groups gnomAD compares: South Asian, 0.011%; no homozygotes.

Submissions (3):

Labcorp Genetics (formerly Invitae), Labcorp
Classification: Likely benign for Nemaline myopathy 2. Last evaluated: 2025-11-20. Review status: criteria provided, single submitter. Criteria: Invitae Variant Classification Sherloc (09022015). Collection method: clinical testing. Allele origin: germline.

CeGaT Center for Human Genetics Tuebingen
Classification: Likely benign. Last evaluated: 2022-12-01. Review status: criteria provided, single submitter. Criteria: CeGaT Center For Human Genetics Tuebingen Variant Classification Criteria Version 2. Collection method: clinical testing. Allele origin: germline. Affected: yes. Observed: 1 variant allele.
Comment: NEB: BP4, BP7

Natera, Inc.
Classification: Uncertain significance for Nemaline myopathy type 2. Last evaluated: 2020-02-13. Review status: no assertion criteria provided. Collection method: clinical testing. Allele origin: germline. Not counted in ClinVar's aggregate classification.